The following is an entry in ClinVar:

NM_002299.4(LCT):c.2359A>T (p.Lys787Ter)

Gene: LCT (lactase; minus strand). Cytogenetic location: 2q21.3.
Variant type: single nucleotide variant.
Coding change: c.2359A>T on transcript NM_002299.4 (MANE Select); coding-DNA position 2359, A replaced by T.
Protein change: p.Lys787Ter; replaces lysine 787 with a stop codon.
Molecular consequence: nonsense.
Genome position (GRCh38, 1-based): chr2:135,809,988, T>A on the plus strand (A>T on the coding strand, the complement: LCT is on the minus strand). VCF-style: chr2-135809988-T-A. GRCh37 (hg19) VCF-style: chr2-136567558-T-A.
Other names: c.2359A>T (NM_002299.2); short protein forms K787*.
Identifiers: ClinVar variation 1354483 (VCV001354483.7), dbSNP rs962540601, ClinGen allele CA56614256.

ClinVar aggregate classification (germline): Pathogenic/Likely pathogenic. Review status: criteria provided, multiple submitters, no conflicts (2 of 4 stars). 2 submissions from 2 submitters: Pathogenic (1); Likely pathogenic (1). Last evaluated 2025-03-24.

Allele frequency attached by ClinVar (database versions not stated): gnomAD 0.00001; gnomAD exomes 0.00001; TOPMed 0.00001.
gnomAD v4.1: 8 of 1,593,390 alleles (0.0005%); highest among the groups gnomAD compares: Non-Finnish European, 0.00069%; no homozygotes.

Submissions (2):

GeneDx
Classification: Likely pathogenic. Last evaluated: 2025-03-24. Review status: criteria provided, single submitter. Criteria: GeneDx Variant Classification Process June 2021. Collection method: clinical testing. Allele origin: germline. Affected: yes.
Comment: Nonsense variant predicted to result in protein truncation or nonsense mediated decay in a gene for which loss of function is a known mechanism of disease; Not observed at significant frequency in large population cohorts (gnomAD); Has not been previously published as pathogenic or benign to our knowledge

Labcorp Genetics (formerly Invitae), Labcorp
Classification: Pathogenic. Last evaluated: 2024-12-09. Review status: criteria provided, single submitter. Criteria: Invitae Variant Classification Sherloc (09022015). Collection method: clinical testing. Allele origin: germline.
Comment: This sequence change creates a premature translational stop signal (p.Lys787*) in the LCT gene. It is expected to result in an absent or disrupted protein product. Loss-of-function variants in LCT are known to be pathogenic (PMID: 16400612, 25881162). This variant is present in population databases (no rsID available, gnomAD 0.007%). This variant has not been reported in the literature in individuals affected with LCT-related conditions. ClinVar contains an entry for this variant (Variation ID: 1354483). For these reasons, this variant has been classified as Pathogenic.

Literature cited by the submitters: PubMed 16400612 (cited by Labcorp Genetics (formerly Invitae), Labcorp); PubMed 25881162 (cited by Labcorp Genetics (formerly Invitae), Labcorp).